The following is an entry in ClinVar:

ClinVar aggregate classification (germline): Uncertain significance (1 of 4 stars; one submission).

Conditions:
Bardet-Biedl syndrome (BBS). Identifiers: Orphanet 110, MedGen C0752166, MONDO:0015229.

Allele frequency attached by ClinVar (database versions not stated): gnomAD exomes below 0.00001; TOPMed below 0.00001; ExAC 0.00001; gnomAD 0.00001; 1000 Genomes Project 30x 0.00016; 1000 Genomes Project 0.00020.
gnomAD v4.1: 1 of 1,613,712 alleles (0.000062%); highest among the groups gnomAD compares: Admixed American, 0.0017%; no homozygotes.

Submission:

Labcorp Genetics (formerly Invitae), Labcorp
Classification: Uncertain significance for Bardet-Biedl syndrome. Last evaluated: 2025-07-30. Review status: criteria provided, single submitter. Criteria: Invitae Variant Classification Sherloc (09022015). Collection method: clinical testing. Allele origin: germline.
Comment: This sequence change replaces isoleucine, which is neutral and non-polar, with leucine, which is neutral and non-polar, at codon 248 of the BBS9 protein (p.Ile248Leu). This variant is present in population databases (rs577724923, gnomAD 0.003%). This variant has not been reported in the literature in individuals affected with BBS9-related conditions. ClinVar contains an entry for this variant (Variation ID: 837499). Invitae Evidence Modeling of protein sequence and biophysical properties (such as structural, functional, and spatial information, amino acid conservation, physicochemical variation, residue mobility, and thermodynamic stability) indicates that this missense variant is not expected to disrupt BBS9 protein function with a negative predictive value of 80%. In summary, the available evidence is currently insufficient to determine the role of this variant in disease. Therefore, it has been classified as a Variant of Uncertain Significance.

NM_198428.3(BBS9):c.742A>C (p.Ile248Leu)

Gene: BBS9 (Bardet-Biedl syndrome 9; plus strand). Cytogenetic location: 7p14.3.
Variant type: single nucleotide variant.
Coding change: c.742A>C on transcript NM_198428.3 (MANE Select); coding-DNA position 742, A replaced by C.
Protein change: p.Ile248Leu; replaces isoleucine 248 with leucine.
Molecular consequence: missense variant. On other transcripts: non-coding transcript variant (3).
Genome position (GRCh38, 1-based): chr7:33,273,051, A>C. VCF-style: chr7-33273051-A-C. GRCh37 (hg19) VCF-style: chr7-33312663-A-C.
Other names: c.742A>C, p.Ile248Leu (NM_001348040.3, NM_001348041.4, NM_001348043.3 and 5 more transcripts); c.607A>C, p.Ile203Leu (NM_001348042.3); c.376A>C, p.Ile126Leu (NM_001348037.3, NM_001348044.3, NM_001348045.3 and 1 more transcripts); c.469A>C, p.Ile157Leu (NM_001348038.3, NM_001348039.3); short protein forms I157L, I203L, I248L, I126L.
Identifiers: ClinVar variation 837499 (VCV000837499.10), dbSNP rs577724923, ClinGen allele CA4214102.